The following is an entry in ClinVar:

NM_015459.5(ATL3):c.1390A>G (p.Ile464Val)

Genes: ATL3 (atlastin GTPase 3; minus strand), LNCROPM (lncRNA regulator of PLAAT3 mediated phospholipid metabolism; plus strand). Cytogenetic location: 11q13.1.
Variant type: single nucleotide variant.
Coding change: c.1390A>G on transcript NM_015459.5 (MANE Select); coding-DNA position 1390, A replaced by G.
Protein change: p.Ile464Val; replaces isoleucine 464 with valine.
Molecular consequence: missense variant.
Genome position (GRCh38, 1-based): chr11:63,631,189, T>C on the plus strand (A>G on the coding strand, the complement: ATL3 is on the minus strand). VCF-style: chr11-63631189-T-C. GRCh37 (hg19) VCF-style: chr11-63398661-T-C.
Other names: c.1390A>G (NM_015459.3); c.1336A>G, p.Ile446Val (NM_001290048.2); short protein forms I446V, I464V.
Identifiers: ClinVar variation 643677 (VCV000643677.8), dbSNP rs573065562, ClinGen allele CA6063528.

ClinVar aggregate classification (germline): Conflicting classifications of pathogenicity. Review status: criteria provided, conflicting classifications (1 of 4 stars). 2 submissions from 2 submitters: Uncertain significance (1); Likely benign (1). Last evaluated 2024-07-30.

Conditions:
Inborn genetic diseases. Identifiers: MedGen C0950123, MeSH D030342.
Neuropathy, hereditary sensory, type 1F. Also called: HSN IF; Hereditary sensory neuropathy type IF. Identifiers: Orphanet 36386, MedGen C3810194, MONDO:0014286, OMIM 615632.

Allele frequency attached by ClinVar (database versions not stated): gnomAD below 0.00001 and 0.00001; gnomAD exomes 0.00006; ExAC 0.00008; 1000 Genomes Project 30x 0.00016; 1000 Genomes Project 0.00020.
gnomAD v4.1: 44 of 1,614,196 alleles (0.0027%); highest among the groups gnomAD compares: South Asian, 0.043%; no homozygotes.

Submissions (2):

Ambry Genetics
Classification: Likely benign for Inborn genetic diseases. Last evaluated: 2024-07-30. Review status: criteria provided, single submitter. Criteria: Ambry Variant Classification Scheme 2023. Collection method: clinical testing. Allele origin: germline.

Labcorp Genetics (formerly Invitae), Labcorp
Classification: Uncertain significance for Neuropathy, hereditary sensory, type 1F. Last evaluated: 2022-03-19. Review status: criteria provided, single submitter. Criteria: Invitae Variant Classification Sherloc (09022015). Collection method: clinical testing. Allele origin: germline.
Comment: In summary, the available evidence is currently insufficient to determine the role of this variant in disease. Therefore, it has been classified as a Variant of Uncertain Significance. Algorithms developed to predict the effect of sequence changes on RNA splicing suggest that this variant may create or strengthen a splice site. Algorithms developed to predict the effect of missense changes on protein structure and function output the following: SIFT: "Tolerated"; PolyPhen-2: "Benign"; Align-GVGD: "Class C0". The valine amino acid residue is found in multiple mammalian species, which suggests that this missense change does not adversely affect protein function. ClinVar contains an entry for this variant (Variation ID: 643677). This variant has not been reported in the literature in individuals affected with ATL3-related conditions. This variant is present in population databases (rs573065562, gnomAD 0.05%), and has an allele count higher than expected for a pathogenic variant. This sequence change replaces isoleucine, which is neutral and non-polar, with valine, which is neutral and non-polar, at codon 464 of the ATL3 protein (p.Ile464Val).